The following is an entry in ClinVar:

ClinVar aggregate classification (germline): Uncertain significance (1 of 4 stars; one submission).

Submission:

GeneDx
Classification: Uncertain significance. Last evaluated: 2024-03-21. Review status: criteria provided, single submitter. Criteria: GeneDx Variant Classification Process June 2021. Collection method: clinical testing. Allele origin: germline. Affected: yes.
Comment: Has not been previously published as pathogenic or benign to our knowledge; Not observed at significant frequency in large population cohorts (gnomAD); In silico analysis supports that this missense variant does not alter protein structure/function

NM_021098.3(CACNA1H):c.1997A>T (p.Glu666Val)

Gene: CACNA1H (calcium voltage-gated channel subunit alpha1 H; plus strand). Cytogenetic location: 16p13.3.
Variant type: single nucleotide variant.
Coding change: c.1997A>T on transcript NM_021098.3 (MANE Select); coding-DNA position 1997, A replaced by T.
Protein change: p.Glu666Val; replaces glutamic acid 666 with valine.
Molecular consequence: missense variant.
Genome position (GRCh38, 1-based): chr16:1,202,447, A>T. VCF-style: chr16-1202447-A-T. GRCh37 (hg19) VCF-style: chr16-1252447-A-T.
Other names: c.1997A>T, p.Glu666Val (NM_001005407.2); short protein forms E666V.
Identifiers: ClinVar variation 1318891 (VCV001318891.3), dbSNP rs926633519, ClinGen allele CA394164130.
Genomic context (GRCh38, chr16:1,202,447, plus strand): 5'-ACGGCCCGTTGAGCTTGAACAGCCCTGATCCCTACGAGAAGATCCCGCATGTGGTCGGGG[A>T]GCATGGTGAGGACCCAGCCCCACCCCACGGAGGAGGCGGTGGGACCTAGGCAGGGCGGGC-3'
Protein context (NP_066921.2, residues 656-676): PYEKIPHVVG[Glu666Val]HGLGQAPGHL